The following is an entry in ClinVar:

NM_001330588.2(TPP2):c.1837-15G>A

Gene: TPP2 (tripeptidyl peptidase 2; plus strand). Cytogenetic location: 13q33.1.
Variant type: single nucleotide variant.
Coding change: c.1837-15G>A on transcript NM_001330588.2 (MANE Select); 15 bases into the intron before coding-DNA position 1837, G replaced by A.
Molecular consequence: intron variant.
Genome position (GRCh38, 1-based): chr13:102,638,224, G>A. VCF-style: chr13-102638224-G-A. GRCh37 (hg19) VCF-style: chr13-103290574-G-A.
Other names: c.1837-15G>A (NM_001367947.1, NM_003291.4).
Identifiers: ClinVar variation 1166883 (VCV001166883.12), dbSNP rs614290, ClinGen allele CA7037848.

ClinVar aggregate classification (germline): Benign. Review status: criteria provided, multiple submitters, no conflicts (2 of 4 stars). 3 submissions from 3 submitters: Benign (3). Last evaluated 2026-02-04.

Conditions:
Evans syndrome, immunodeficiency, and premature immunosenescence associated with tripeptidyl-peptidase II deficiency. Identifiers: MedGen CN231723. Disease mechanism: loss of function.

Allele frequency attached by ClinVar (database versions not stated): gnomAD exomes 0.44485 and 0.47122; ExAC 0.44943; 1000 Genomes Project 0.47364; 1000 Genomes Project 30x 0.47470; gnomAD 0.49599 and 0.50108; TOPMed 0.49627; ESP Exome Variant Server 0.52284.
gnomAD v4.1: 760,428 of 1,606,932 alleles (47%); highest among the groups gnomAD compares: African/African-American, 60%; 182,372 homozygotes.

Submissions (3):

Labcorp Genetics (formerly Invitae), Labcorp
Classification: Benign for Evans syndrome, immunodeficiency, and premature immunosenescence associated with tripeptidyl-peptidase II deficiency. Last evaluated: 2026-02-04. Review status: criteria provided, single submitter. Criteria: Invitae Variant Classification Sherloc (09022015). Collection method: clinical testing. Allele origin: germline.

Unidad de Genómica Garrahan, Hospital de Pediatría Garrahan
Classification: Benign. Last evaluated: 2023-11-12. Review status: criteria provided, single submitter. Criteria: ACMG Guidelines, 2015. Collection method: clinical testing. Allele origin: germline. Affected: no. Observed: 53 variant alleles.
Comment: This variant is classified as Benign based on local population frequency. This variant was detected in 55% of patients studied by a panel of primary immunodeficiencies. Number of patients: 53. Only high quality variants are reported.

Breakthrough Genomics
Classification: Benign. Review status: criteria provided, single submitter. Criteria: ACMG Guidelines, 2015. Collection method: not provided. Allele origin: germline. Inheritance: Autosomal recessive inheritance. Affected: yes.